The following is an entry in ClinVar:

ClinVar aggregate classification (germline): Likely benign (1 of 4 stars; one submission).

Allele frequency attached by ClinVar (database versions not stated): gnomAD exomes below 0.00001.
gnomAD v4.1: 12 of 1,613,404 alleles (0.00074%); highest among the groups gnomAD compares: East Asian, 0.0022%; no homozygotes.

Submission:

CeGaT Center for Human Genetics Tuebingen
Classification: Likely benign. Last evaluated: 2023-02-01. Review status: criteria provided, single submitter. Criteria: CeGaT Center For Human Genetics Tuebingen Variant Classification Criteria Version 2. Collection method: clinical testing. Allele origin: germline. Affected: yes. Observed: 1 variant allele.
Comment: KMT2C: PM2:Supporting, BP4, BP7

NM_170606.3(KMT2C):c.4470G>C (p.Gly1490=)

Gene: KMT2C (lysine methyltransferase 2C; minus strand). Cytogenetic location: 7q36.1.
Variant type: single nucleotide variant.
Coding change: c.4470G>C on transcript NM_170606.3 (MANE Select); coding-DNA position 4470, G replaced by C.
Protein change: p.Gly1490=; no amino-acid change (glycine 1490 retained).
Molecular consequence: synonymous variant.
Genome position (GRCh38, 1-based): chr7:152,194,477, C>G on the plus strand (G>C on the coding strand, the complement: KMT2C is on the minus strand). VCF-style: chr7-152194477-C-G. GRCh37 (hg19) VCF-style: chr7-151891562-C-G.
Identifiers: ClinVar variation 2658227 (VCV002658227.24), dbSNP rs892247070, ClinGen allele CA169222942.